The following is an entry in ClinVar:

ClinVar aggregate classification (germline): Uncertain significance (1 of 4 stars; one submission).

Conditions:
Hereditary cancer-predisposing syndrome. Also called: Hereditary Cancer Syndrome; Tumor predisposition; Hereditary neoplastic syndrome; Neoplastic Syndromes, Hereditary. Identifiers: Orphanet 140162, MedGen C0027672, MeSH D009386, MONDO:0015356.
Cardiovascular phenotype. Identifiers: MedGen CN230736.

Submission:

Ambry Genetics
Classification: Uncertain significance for Cardiovascular phenotype; Hereditary cancer-predisposing syndrome. Last evaluated: 2024-08-29. Review status: criteria provided, single submitter. Criteria: Ambry Variant Classification Scheme 2023. Collection method: clinical testing. Allele origin: germline.
Comment: The p.K189E variant (also known as c.565A>G), located in coding exon 5 of the NF1 gene, results from an A to G substitution at nucleotide position 565. The lysine at codon 189 is replaced by glutamic acid, an amino acid with similar properties. This amino acid position is highly conserved in available vertebrate species. In addition, this alteration is predicted to be deleterious by in silico analysis. Based on the available evidence, the clinical significance of this variant remains unclear.

NM_001042492.3(NF1):c.565A>G (p.Lys189Glu)

Gene: NF1 (neurofibromin 1; plus strand). Cytogenetic location: 17q11.2.
Variant type: single nucleotide variant.
Coding change: c.565A>G on transcript NM_001042492.3 (MANE Select); coding-DNA position 565, A replaced by G.
Protein change: p.Lys189Glu; replaces lysine 189 with glutamic acid.
Molecular consequence: missense variant.
Genome position (GRCh38, 1-based): chr17:31,169,976, A>G. VCF-style: chr17-31169976-A-G. GRCh37 (hg19) VCF-style: chr17-29496994-A-G.
Other names: c.565A>G, p.Lys189Glu (NM_000267.4, NM_001128147.3); short protein forms K189E.
Identifiers: ClinVar variation 3404705 (VCV003404705.1).
Genomic context (GRCh38, chr17:31,169,976, plus strand): 5'-GAAGACAATGTTGATGTTCATGATATAGAATTGTTACAGTATATCAATGTGGATTGTGCA[A>G]AATTAAAACGACTCCTGAAGGGTAAGTTTAAATGTATAATATATCTGAAAAAAATCACTG-3'
Protein context (NP_001035957.1, residues 179-199): LLQYINVDCA[Lys189Glu]LKRLLKETAF